The following is an entry in ClinVar:

NM_198904.4(GABRG2):c.185C>T (p.Pro62Leu)

Gene: GABRG2 (gamma-aminobutyric acid type A receptor subunit gamma2; plus strand). Cytogenetic location: 5q34.
Variant type: single nucleotide variant.
Coding change: c.185C>T on transcript NM_198904.4 (MANE Select); coding-DNA position 185, C replaced by T.
Protein change: p.Pro62Leu; replaces proline 62 with leucine.
Molecular consequence: missense variant. On other transcripts: 5 prime UTR variant (3).
Genome position (GRCh38, 1-based): chr5:162,093,905, C>T. VCF-style: chr5-162093905-C-T. GRCh37 (hg19) VCF-style: chr5-161520911-C-T.
Other names: c.185C>T, p.Pro62Leu (NM_000816.3, NM_001375340.1, NM_001375341.1 and 4 more transcripts); c.176C>T, p.Pro59Leu (NM_001375339.1); c.119C>T, p.Pro40Leu (NM_001375345.1, NM_001375346.1); c.98C>T, p.Pro33Leu (NM_001375347.1); c.-174C>T (NM_001375348.1, NM_001375350.1); c.-101C>T (NM_001375349.1); short protein forms P40L, P33L, P59L, P62L.
Identifiers: ClinVar variation 1385855 (VCV001385855.6), dbSNP rs771317794, ClinGen allele CA3544681.
Genomic context (GRCh38, chr5:162,093,905, plus strand): 5'-CTGATGATGACTATGAAGATTATGCTTCTAACAAAACATGGGTCTTGACTCCAAAAGTTC[C>T]TGAGGGTGATGTCACTGTCATCTTAAACAACCTGCTGGAAGGATATGACAATAAACTTCG-3'
Protein context (NP_944494.1, residues 52-72): NKTWVLTPKV[Pro62Leu]EGDVTVILNN

ClinVar aggregate classification (germline): Uncertain significance (1 of 4 stars; one submission).

Conditions:
EPILEPSY, CHILDHOOD ABSENCE, SUSCEPTIBILITY TO, 2 (ECA2). Identifiers: Orphanet 64280, MedGen C1843244, OMIM 607681.
Febrile seizures, familial, 8 (FEB8). Also called: CONVULSIONS, FAMILIAL FEBRILE, 8. Identifiers: Orphanet 36387, MedGen C1969810, MONDO:0011891, OMIM 607681.

Allele frequency attached by ClinVar (database versions not stated): gnomAD exomes below 0.00001; ExAC 0.00001.

Submission:

Labcorp Genetics (formerly Invitae), Labcorp
Classification: Uncertain significance for Febrile seizures, familial, 8; EPILEPSY, CHILDHOOD ABSENCE, SUSCEPTIBILITY TO, 2. Last evaluated: 2025-11-25. Review status: criteria provided, single submitter. Criteria: Invitae Variant Classification Sherloc (09022015). Collection method: clinical testing. Allele origin: germline.
Comment: This sequence change replaces proline, which is neutral and non-polar, with leucine, which is neutral and non-polar, at codon 62 of the GABRG2 protein (p.Pro62Leu). This variant is present in population databases (rs771317794, gnomAD 0.004%). This variant has not been reported in the literature in individuals affected with GABRG2-related conditions. ClinVar contains an entry for this variant (Variation ID: 1385855). Invitae Evidence Modeling of protein sequence and biophysical properties (such as structural, functional, and spatial information, amino acid conservation, physicochemical variation, residue mobility, and thermodynamic stability) indicates that this missense variant is not expected to disrupt GABRG2 protein function with a negative predictive value of 95%. In summary, the available evidence is currently insufficient to determine the role of this variant in disease. Therefore, it has been classified as a Variant of Uncertain Significance.